The following is an entry in ClinVar:

ClinVar aggregate classification (germline): Uncertain significance (1 of 4 stars; one submission).

Conditions:
Hereditary cancer-predisposing syndrome. Also called: Tumor predisposition; Neoplastic Syndromes, Hereditary; Hereditary Cancer Syndrome; Hereditary neoplastic syndrome. Identifiers: Orphanet 140162, MedGen C0027672, MeSH D009386, MONDO:0015356.

Submission:

Ambry Genetics
Classification: Uncertain significance for Hereditary cancer-predisposing syndrome. Last evaluated: 2025-03-14. Review status: criteria provided, single submitter. Criteria: Ambry Variant Classification Scheme 2023. Collection method: clinical testing. Allele origin: germline.
Comment: The p.T23S variant (also known as c.67A>T), located in coding exon 1 of the NF2 gene, results from an A to T substitution at nucleotide position 67. The threonine at codon 23 is replaced by serine, an amino acid with similar properties. This amino acid position is conserved. In addition, this alteration is predicted to be tolerated by in silico analysis. Based on the available evidence, the clinical significance of this variant remains unclear.

NM_000268.4(NF2):c.67A>T (p.Thr23Ser)

Gene: NF2 (NF2, moesin-ezrin-radixin like (MERLIN) tumor suppressor; plus strand). Cytogenetic location: 22q12.2.
Variant type: single nucleotide variant.
Coding change: c.67A>T on transcript NM_000268.4 (MANE Select); coding-DNA position 67, A replaced by T.
Protein change: p.Thr23Ser; replaces threonine 23 with serine.
Molecular consequence: missense variant. On other transcripts: 5 prime UTR variant (4), non-coding transcript variant (1).
Genome position (GRCh38, 1-based): chr22:29,604,065, A>T. VCF-style: chr22-29604065-A-T. GRCh37 (hg19) VCF-style: chr22-30000054-A-T.
Other names: c.-164A>T (NM_001407053.1, NM_001407056.1); c.67A>T, p.Thr23Ser (NM_001407054.1, NM_001407055.1, NM_001407057.1 and 15 more transcripts); c.-574A>T (NM_001407065.1); c.-190A>T (NM_001407067.1); short protein forms T23S.
Identifiers: ClinVar variation 3879185 (VCV003879185.1).